The following is an entry in ClinVar:

NM_000742.4(CHRNA2):c.1094G>A (p.Trp365Ter)

Gene: CHRNA2 (cholinergic receptor nicotinic alpha 2 subunit; minus strand). Cytogenetic location: 8p21.2.
Variant type: single nucleotide variant.
Coding change: c.1094G>A on transcript NM_000742.4 (MANE Select); coding-DNA position 1094, G replaced by A.
Protein change: p.Trp365Ter; replaces tryptophan 365 with a stop codon.
Molecular consequence: nonsense.
Genome position (GRCh38, 1-based): chr8:27,463,349, C>T on the plus strand (G>A on the coding strand, the complement: CHRNA2 is on the minus strand). VCF-style: chr8-27463349-C-T. GRCh37 (hg19) VCF-style: chr8-27320866-C-T.
Other names: c.1049G>A, p.Trp350Ter (NM_001282455.2); c.617G>A, p.Trp206Ter (NM_001347705.2, NM_001347706.2); c.500G>A, p.Trp167Ter (NM_001347707.2, NM_001347708.2); short protein forms W350*, W365*, W167*, W206*.
Identifiers: ClinVar variation 1510217 (VCV001510217.6), dbSNP rs2132651723, ClinGen allele CA370809506.
Genomic context (GRCh38, chr8:27,463,349, plus strand): 5'-GGTGGGGGCCGGTTCATCAGAAGCCACCGGGGCACACAGCCCAGAAGGGCCCCCCGCACC[C>T]AGTGGGGCATGGTGTGGGTGCTGGGGGAGCGGTGGTGCACATTGAGCACGAAGACGGTGA-3'

ClinVar aggregate classification (germline): Uncertain significance (1 of 4 stars; one submission).

Conditions:
Familial sleep-related hypermotor epilepsy. Also called: Autosomal Dominant Sleep-Related Hypermotor (Hyperkinetic) Epilepsy. Identifiers: Orphanet 98784, MedGen C3696898, MONDO:0000030.

Allele frequency attached by ClinVar (database versions not stated): gnomAD exomes 0.00001.
gnomAD v4.1: 5 of 1,613,938 alleles (0.00031%); highest among the groups gnomAD compares: East Asian, 0.011%; no homozygotes.

Submission:

Labcorp Genetics (formerly Invitae), Labcorp
Classification: Uncertain significance. Last evaluated: 2021-11-03. Review status: criteria provided, single submitter. Criteria: Invitae Variant Classification Sherloc (09022015). Collection method: clinical testing. Allele origin: germline.
Comment: In summary, the available evidence is currently insufficient to determine the role of this variant in disease. Therefore, it has been classified as a Variant of Uncertain Significance. This sequence change creates a premature translational stop signal (p.Trp365*) in the CHRNA2 gene. It is expected to result in an absent or disrupted protein product. However, the current clinical and genetic evidence is not sufficient to establish whether loss-of-function variants in CHRNA2 cause disease. This variant is not present in population databases (gnomAD no frequency). Algorithms developed to predict the effect of sequence changes on RNA splicing suggest that this variant may create or strengthen a splice site. This variant has not been reported in the literature in individuals affected with CHRNA2-related conditions.